The following is an entry in ClinVar:

ClinVar aggregate classification (germline): Likely pathogenic (1 of 4 stars; one submission).

Submission:

GeneDx
Classification: Likely pathogenic. Last evaluated: 2019-07-17. Review status: criteria provided, single submitter. Criteria: GeneDx Variant Classification Process June 2021. Collection method: clinical testing. Allele origin: germline. Affected: yes.
Comment: Not observed in large population cohorts (Lek et al., 2016); The majority of missense variants in this gene are considered pathogenic (Stenson et al., 2014); In silico analysis, which includes protein predictors and evolutionary conservation, supports a deleterious effect; Has not been previously published as pathogenic or benign to our knowledge; This substitution is predicted to be within the pore forming loop between the S5 and S6 transmembrane segments of the fourth homologous domain

NM_001330260.2(SCN8A):c.5110T>A (p.Ser1704Thr)

Gene: SCN8A (sodium voltage-gated channel alpha subunit 8; plus strand). Cytogenetic location: 12q13.13.
Variant type: single nucleotide variant.
Coding change: c.5110T>A on transcript NM_001330260.2 (MANE Select); coding-DNA position 5110, T replaced by A.
Protein change: p.Ser1704Thr; replaces serine 1704 with threonine.
Molecular consequence: missense variant.
Genome position (GRCh38, 1-based): chr12:51,806,596, T>A. VCF-style: chr12-51806596-T-A. GRCh37 (hg19) VCF-style: chr12-52200380-T-A.
Other names: c.4987T>A, p.Ser1663Thr (NM_001177984.3, NM_001369788.1); c.5110T>A, p.Ser1704Thr (NM_014191.4); short protein forms S1663T, S1704T.
Identifiers: ClinVar variation 1183709 (VCV001183709.2), dbSNP rs2138942888, ClinGen allele CA384883405.